The following is an entry in ClinVar:

ClinVar aggregate classification (germline): Uncertain significance. Review status: criteria provided, multiple submitters, no conflicts (2 of 4 stars). 2 submissions from 2 submitters: Uncertain significance (2). Last evaluated 2024-02-10.

Conditions:
DICER1-related tumor predisposition. Also called: DICER1-related pleuropulmonary blastoma cancer predisposition syndrome; DICER1 syndrome. Identifiers: Orphanet 284343, MedGen C3839822, MONDO:0100216.
Hereditary cancer-predisposing syndrome. Also called: Neoplastic Syndromes, Hereditary; Hereditary neoplastic syndrome; Tumor predisposition; Hereditary Cancer Syndrome. Identifiers: Orphanet 140162, MedGen C0027672, MeSH D009386, MONDO:0015356.

Submissions (2):

Ambry Genetics
Classification: Uncertain significance for Hereditary cancer-predisposing syndrome. Last evaluated: 2024-02-10. Review status: criteria provided, single submitter. Criteria: Ambry Variant Classification Scheme 2023. Collection method: clinical testing. Allele origin: germline.
Comment: The p.E360V variant (also known as c.1079A>T), located in coding exon 7 of the DICER1 gene, results from an A to T substitution at nucleotide position 1079. The glutamic acid at codon 360 is replaced by valine, an amino acid with dissimilar properties. This amino acid position is conserved. In addition, the in silico prediction for this alteration is inconclusive. Based on the available evidence, the clinical significance of this alteration remains unclear.

Labcorp Genetics (formerly Invitae), Labcorp
Classification: Uncertain significance for DICER1-related tumor predisposition. Last evaluated: 2019-11-19. Review status: criteria provided, single submitter. Criteria: Invitae Variant Classification Sherloc (09022015). Collection method: clinical testing. Allele origin: germline.
Comment: In summary, the available evidence is currently insufficient to determine the role of this variant in disease. Therefore, it has been classified as a Variant of Uncertain Significance. Algorithms developed to predict the effect of missense changes on protein structure and function (SIFT, PolyPhen-2, Align-GVGD) all suggest that this variant is likely to be disruptive, but these predictions have not been confirmed by published functional studies and their clinical significance is uncertain. This variant has not been reported in the literature in individuals with DICER1-related conditions. This variant is not present in population databases (ExAC no frequency). This sequence change replaces glutamic acid with valine at codon 360 of the DICER1 protein (p.Glu360Val). The glutamic acid residue is highly conserved and there is a moderate physicochemical difference between glutamic acid and valine.

NM_177438.3(DICER1):c.1079A>T (p.Glu360Val)

Gene: DICER1 (dicer 1, ribonuclease III; minus strand). Cytogenetic location: 14q32.13.
Variant type: single nucleotide variant.
Coding change: c.1079A>T on transcript NM_177438.3 (MANE Select); coding-DNA position 1079, A replaced by T.
Protein change: p.Glu360Val; replaces glutamic acid 360 with valine.
Molecular consequence: missense variant.
Genome position (GRCh38, 1-based): chr14:95,124,493, T>A on the plus strand (A>T on the coding strand, the complement: DICER1 is on the minus strand). VCF-style: chr14-95124493-T-A. GRCh37 (hg19) VCF-style: chr14-95590830-T-A.
Other names: c.1079A>T, p.Glu360Val (NM_001195573.1, NM_001271282.3, NM_001291628.2 and 1 more transcripts); short protein forms E360V.
Identifiers: ClinVar variation 839097 (VCV000839097.12), dbSNP rs1893227332, ClinGen allele CA390887004.
Genomic context (GRCh38, chr14:95,124,493, plus strand): 5'-AGTTTGATTACTTTAGGAGTTACAAATTTCAGGTCAAGTGAGGCAGGTGAGAAGTGCTCT[T>A]CACATAGTGCATGTATTTTCCTTAGGAAAGTGTCTGTAAACAATAAAAATTTCCTGTGCA-3'
Protein context (NP_803187.1, residues 350-370): TFLRKIHALC[Glu360Val]EHFSPASLDL